The following is an entry in ClinVar:

ClinVar aggregate classification (germline): Uncertain significance (1 of 4 stars; one submission).

gnomAD v4.1: 10 of 1,572,670 alleles (0.00064%); highest among the groups gnomAD compares: Admixed American, 0.0018%; no homozygotes.

Submission:

Labcorp Genetics (formerly Invitae), Labcorp
Classification: Uncertain significance. Last evaluated: 2024-08-13. Review status: criteria provided, single submitter. Criteria: Invitae Variant Classification Sherloc (09022015). Collection method: clinical testing. Allele origin: germline.
Comment: This sequence change replaces glycine, which is neutral and non-polar, with alanine, which is neutral and non-polar, at codon 372 of the AHDC1 protein (p.Gly372Ala). The frequency data for this variant in the population databases is considered unreliable, as metrics indicate poor data quality at this position in the gnomAD database. This variant has not been reported in the literature in individuals affected with AHDC1-related conditions. An algorithm developed to predict the effect of missense changes on protein structure and function (PolyPhen-2) suggests that this variant is likely to be disruptive. In summary, the available evidence is currently insufficient to determine the role of this variant in disease. Therefore, it has been classified as a Variant of Uncertain Significance.

NM_001371928.1(AHDC1):c.1115G>C (p.Gly372Ala)

Gene: AHDC1 (AT-hook DNA binding motif containing 1; minus strand). Cytogenetic location: 1p36.11.
Variant type: single nucleotide variant.
Coding change: c.1115G>C on transcript NM_001371928.1 (MANE Select); coding-DNA position 1115, G replaced by C.
Protein change: p.Gly372Ala; replaces glycine 372 with alanine.
Molecular consequence: missense variant.
Genome position (GRCh38, 1-based): chr1:27,551,001, C>G on the plus strand (G>C on the coding strand, the complement: AHDC1 is on the minus strand). VCF-style: chr1-27551001-C-G. GRCh37 (hg19) VCF-style: chr1-27877512-C-G.
Other names: c.1115G>C, p.Gly372Ala (NM_001029882.3); short protein forms G372A.
Identifiers: ClinVar variation 3618679 (VCV003618679.2).